The following is an entry in ClinVar:

ClinVar aggregate classification (germline): Uncertain significance. Review status: criteria provided, multiple submitters, no conflicts (2 of 4 stars). 2 submissions from 2 submitters: Uncertain significance (2). Last evaluated 2026-04-30.

Conditions:
Inborn genetic diseases. Identifiers: MedGen C0950123, MeSH D030342.

Submissions (2):

Ambry Genetics
Classification: Uncertain significance for Inborn genetic diseases. Last evaluated: 2026-04-30. Review status: criteria provided, single submitter. Criteria: Ambry Variant Classification Scheme 2023. Collection method: clinical testing. Allele origin: germline.

Dasa
Classification: Uncertain significance. Last evaluated: 2024-10-22. Review status: criteria provided, single submitter. Criteria: DASA Assertion Criteria. Collection method: clinical testing. Allele origin: germline.
Comment: NM_000173.7(GP1BA):c.952G>A (p.Ala318Thr) is a missense variant that results in the substitution of alanine with threonine. This variant is rare in population databases. Computational prediction algorithms are consistent with a benign effect. The currently available literature and clinical evidence are not sufficient to establish a definitive association between this variant and the reported condition. Therefore, this variant is classified as a variant of uncertain significance.

NM_000173.7(GP1BA):c.952G>A (p.Ala318Thr)

Gene: GP1BA (glycoprotein Ib platelet subunit alpha; plus strand). Cytogenetic location: 17p13.2.
Variant type: single nucleotide variant.
Coding change: c.952G>A on transcript NM_000173.7 (MANE Select); coding-DNA position 952, G replaced by A.
Protein change: p.Ala318Thr; replaces alanine 318 with threonine.
Molecular consequence: missense variant.
Genome position (GRCh38, 1-based): chr17:4,933,556, G>A. VCF-style: chr17-4933556-G-A. GRCh37 (hg19) VCF-style: chr17-4836851-G-A.
Other names: short protein forms A318T.
Identifiers: ClinVar variation 4858151 (VCV004858151.3).